The following is an entry in ClinVar:

ClinVar aggregate classification (germline): Likely benign (0 of 4 stars; one submission).

Conditions:
C2orf69-related disorder. Also called: C2orf69-related condition.

gnomAD v4.1: 27 of 1,539,904 alleles (0.0018%); highest among the groups gnomAD compares: Non-Finnish European, 0.0021%; no homozygotes.

Submission:

PreventionGenetics, part of Exact Sciences
Classification: Likely benign for C2orf69-related condition. Last evaluated: 2024-08-09. Review status: no assertion criteria provided. Collection method: clinical testing. Allele origin: germline.
Comment: This variant is classified as likely benign based on ACMG/AMP sequence variant interpretation guidelines (Richards et al. 2015 PMID: 25741868, with internal and published modifications).

NM_153689.6(C2orf69):c.309C>T (p.Val103=)

Gene: C2orf69 (chromosome 2 open reading frame 69; plus strand). Cytogenetic location: 2q33.1.
Variant type: single nucleotide variant.
Coding change: c.309C>T on transcript NM_153689.6 (MANE Select); coding-DNA position 309, C replaced by T.
Protein change: p.Val103=; no amino-acid change (valine 103 retained).
Molecular consequence: synonymous variant.
Genome position (GRCh38, 1-based): chr2:199,911,747, C>T. VCF-style: chr2-199911747-C-T. GRCh37 (hg19) VCF-style: chr2-200776470-C-T.
Identifiers: ClinVar variation 3351071 (VCV003351071.1).